The following is an entry in ClinVar:

ClinVar aggregate classification (germline): Uncertain significance. Review status: criteria provided, multiple submitters, no conflicts (2 of 4 stars). 2 submissions from 2 submitters: Uncertain significance (2). Last evaluated 2025-07-03.

Conditions:
Familial thoracic aortic aneurysm and aortic dissection (TAAD). Also called: Thoracic aortic aneurysms and dissections. Identifiers: Orphanet 91387, MedGen C4707243, MONDO:0019625.

Submissions (2):

Color Diagnostics, LLC DBA Color Health
Classification: Uncertain significance for Familial thoracic aortic aneurysm and aortic dissection. Last evaluated: 2025-07-03. Review status: criteria provided, single submitter. Criteria: ACMG Guidelines, 2015. Collection method: clinical testing. Allele origin: germline.
Comment: This missense variant replaces asparagine with histidine at codon 772 of the FBN1 protein. Computational prediction suggests that this variant may have a deleterious impact on protein structure and function. To our knowledge, functional studies have not been reported for this variant. This variant has not been reported in individuals affected with FBN1-related disorders in the literature. This variant has not been identified in the general population by the Genome Aggregation Database (gnomAD). The available evidence is insufficient to determine the role of this variant in disease conclusively. Therefore, this variant is classified as a Variant of Uncertain Significance.

GeneDx
Classification: Uncertain significance. Last evaluated: 2024-12-02. Review status: criteria provided, single submitter. Criteria: GeneDx Variant Classification Process June 2021. Collection method: clinical testing. Allele origin: germline. Affected: yes.
Comment: Not observed at significant frequency in large population cohorts (gnomAD); In silico analysis supports that this missense variant has a deleterious effect on protein structure/function; Has not been previously published as pathogenic or benign to our knowledge; Does not affect a cysteine or calcium-binding residue within an EGF-like domain or a TGF-binding protein domain of the FBN1 gene; cysteine substitutions in the EGF-like domains represent the majority of pathogenic missense changes associated with FBN1-related disorders (PMID: 12938084); This variant is associated with the following publications: (PMID: 12938084)

NM_000138.5(FBN1):c.2314A>C (p.Asn772His)

Gene: FBN1 (fibrillin 1; minus strand). Cytogenetic location: 15q21.1.
Variant type: single nucleotide variant.
Coding change: c.2314A>C on transcript NM_000138.5 (MANE Select); coding-DNA position 2314, A replaced by C.
Protein change: p.Asn772His; replaces asparagine 772 with histidine.
Molecular consequence: missense variant.
Genome position (GRCh38, 1-based): chr15:48,496,205, T>G on the plus strand (A>C on the coding strand, the complement: FBN1 is on the minus strand). VCF-style: chr15-48496205-T-G. GRCh37 (hg19) VCF-style: chr15-48788402-T-G.
Other names: c.2314A>C, p.Asn772His (NM_001406716.1); short protein forms N772H.
Identifiers: ClinVar variation 3901629 (VCV003901629.2).
Genomic context (GRCh38, chr15:48,496,205, plus strand): 5'-AGGTACAGACAAAACTTCCAGGAGTATTTCTACATTGTCCATTGTCACAAAGGAGACTGT[T>G]CAGTACACATTCATTAATATCTGCAAAGTCAATGAAAATAAACACTTAAAAAGGGCCCAA-3'
Protein context (NP_000129.3, residues 762-782): NCVDINECVL[Asn772His]SLLCDNGQCR